The following is an entry in ClinVar:

ClinVar aggregate classification (germline): Uncertain significance (1 of 4 stars; one submission).

Submission:

Labcorp Genetics (formerly Invitae), Labcorp
Classification: Uncertain significance. Last evaluated: 2022-11-14. Review status: criteria provided, single submitter. Criteria: Invitae Variant Classification Sherloc (09022015). Collection method: clinical testing. Allele origin: germline.
Comment: This sequence change replaces threonine, which is neutral and polar, with serine, which is neutral and polar, at codon 46 of the KAT6A protein (p.Thr46Ser). This variant is not present in population databases (gnomAD no frequency). This variant has not been reported in the literature in individuals affected with KAT6A-related conditions. Advanced modeling of protein sequence and biophysical properties (such as structural, functional, and spatial information, amino acid conservation, physicochemical variation, residue mobility, and thermodynamic stability) performed at Invitae indicates that this missense variant is not expected to disrupt KAT6A protein function. In summary, the available evidence is currently insufficient to determine the role of this variant in disease. Therefore, it has been classified as a Variant of Uncertain Significance.

NM_006766.5(KAT6A):c.137C>G (p.Thr46Ser)

Gene: KAT6A (lysine acetyltransferase 6A; minus strand). Cytogenetic location: 8p11.21.
Variant type: single nucleotide variant.
Coding change: c.137C>G on transcript NM_006766.5 (MANE Select); coding-DNA position 137, C replaced by G.
Protein change: p.Thr46Ser; replaces threonine 46 with serine.
Molecular consequence: missense variant.
Genome position (GRCh38, 1-based): chr8:42,048,841, G>C on the plus strand (C>G on the coding strand, the complement: KAT6A is on the minus strand). VCF-style: chr8-42048841-G-C. GRCh37 (hg19) VCF-style: chr8-41906359-G-C.
Other names: c.137C>G, p.Thr46Ser (NM_001305878.2); short protein forms T46S.
Identifiers: ClinVar variation 1721661 (VCV001721661.5), dbSNP rs2487062196, ClinGen allele CA371175336.